The following is an entry in ClinVar:

NM_152564.5(VPS13B):c.1206+6T>A

Gene: VPS13B (vacuolar protein sorting 13 homolog B; plus strand). Cytogenetic location: 8q22.2.
Variant type: single nucleotide variant.
Coding change: c.1206+6T>A on transcript NM_152564.5 (MANE Select); 6 bases into the intron after coding-DNA position 1206, T replaced by A.
Molecular consequence: intron variant. On other transcripts: synonymous variant (1), non-coding transcript variant (1).
Genome position (GRCh38, 1-based): chr8:99,121,451, T>A. VCF-style: chr8-99121451-T-A. GRCh37 (hg19) VCF-style: chr8-100133679-T-A.
Other names: p.?; c.1212T>A, p.Gly404= (NM_181661.3); c.1206+6T>A (NM_017890.5, NM_015243.3, NM_017890.4).
Identifiers: ClinVar variation 1519791 (VCV001519791.4), dbSNP rs778709502, ClinGen allele CA4822559.
Genomic context (GRCh38, chr8:99,121,451, plus strand): 5'-GGATCCTATTGTTTCTATAGGATTTTATTGCACAAAGGCAACGGTGACTTTCAAAGTAGG[T>A]CTTTTCTCTTGCTGTTTATATCTCTATCAACTTTAATGCTTAAATTTGGATTGTTAGTAC-3'

ClinVar aggregate classification (germline): Uncertain significance. Review status: criteria provided, multiple submitters, no conflicts (2 of 4 stars). 2 submissions from 2 submitters: Uncertain significance (2). Last evaluated 2025-09-29.

Conditions:
Cohen syndrome (COH1). Also called: PEPPER SYNDROME; Cutis verticis gyrata, retinitis pigmentosa, and sensorineural deafness. Identifiers: Orphanet 193, MedGen C0265223, MONDO:0008999, OMIM 216550.

Allele frequency attached by ClinVar (database versions not stated): ExAC 0.00001; gnomAD 0.00001; gnomAD exomes 0.00002; TOPMed 0.00002.
gnomAD v4.1: 26 of 1,613,966 alleles (0.0016%); highest among the groups gnomAD compares: Non-Finnish European, 0.0019%; no homozygotes.

Submissions (2):

Mayo Clinic Laboratories, Mayo Clinic
Classification: Uncertain significance. Last evaluated: 2025-09-29. Review status: criteria provided, single submitter. Criteria: ACMG Guidelines, 2015. Collection method: clinical testing. Allele origin: germline. Observed: 1 variant allele.

Labcorp Genetics (formerly Invitae), Labcorp
Classification: Uncertain significance for Cohen syndrome. Last evaluated: 2022-10-13. Review status: criteria provided, single submitter. Criteria: Invitae Variant Classification Sherloc (09022015). Collection method: clinical testing. Allele origin: germline.
Comment: This sequence change falls in intron 8 of the VPS13B gene. It does not directly change the encoded amino acid sequence of the VPS13B protein. It affects a nucleotide within the consensus splice site. This variant is present in population databases (rs778709502, gnomAD 0.006%). This variant has not been reported in the literature in individuals affected with VPS13B-related conditions. ClinVar contains an entry for this variant (Variation ID: 1519791). Variants that disrupt the consensus splice site are a relatively common cause of aberrant splicing (PMID: 17576681, 9536098). Algorithms developed to predict the effect of sequence changes on RNA splicing suggest that this variant may disrupt the consensus splice site. In summary, the available evidence is currently insufficient to determine the role of this variant in disease. Therefore, it has been classified as a Variant of Uncertain Significance.

Literature cited by the submitters: PubMed 17576681 (cited by Labcorp Genetics (formerly Invitae), Labcorp); PubMed 9536098 (cited by Labcorp Genetics (formerly Invitae), Labcorp).